The following is an entry in ClinVar:

ClinVar aggregate classification (germline): Uncertain significance (1 of 4 stars; one submission).

Submission:

Labcorp Genetics (formerly Invitae), Labcorp
Classification: Uncertain significance. Last evaluated: 2025-07-14. Review status: criteria provided, single submitter. Criteria: Invitae Variant Classification Sherloc (09022015). Collection method: clinical testing. Allele origin: germline.
Comment: This sequence change is expected to alter the c-terminus of the COMP protein (p.Gly693Alafs*?). While this is not anticipated to result in nonsense mediated decay, it is expected to disrupt the last 65 amino acid(s) of the COMP protein and extend the protein by unknown additional amino acid residues. This variant is not present in population databases (gnomAD no frequency). This variant has not been reported in the literature in individuals affected with COMP-related conditions. ClinVar contains an entry for this variant (Variation ID: 3650024). Experimental studies and prediction algorithms are not available or were not evaluated, and the functional significance of this variant is currently unknown. In summary, the available evidence is currently insufficient to determine the role of this variant in disease. Therefore, it has been classified as a Variant of Uncertain Significance.

NM_000095.3(COMP):c.2078del (p.Gly693fs)

Gene: COMP (cartilage oligomeric matrix protein; minus strand). Cytogenetic location: 19p13.11.
Variant type: Deletion.
Coding change: c.2078del on transcript NM_000095.3 (MANE Select); coding-DNA position 2078, one base deleted (G; older notation c.2078delG).
Protein change: p.Gly693fs; shifts the reading frame from glycine 693.
Molecular consequence: frameshift variant.
Genome position (GRCh38, 1-based): chr19:18,784,200, C deleted on the plus strand (G on the coding strand, the reverse complement: COMP is on the minus strand); the first of 3 consecutive C bases (chr19:18,784,200-18,784,202); deleting any one gives the same sequence. VCF-style (leftmost placement, unchanged base first): chr19-18784199-GC-G. GRCh37 (hg19) VCF-style: chr19-18895009-GC-G.
Other names: short protein forms G693fs.
Identifiers: ClinVar variation 3650024 (VCV003650024.2).